The following is an entry in ClinVar:

ClinVar aggregate classification (germline): Uncertain significance (1 of 4 stars; one submission).

Conditions:
Gorlin syndrome. Also called: Basal cell nevus syndrome; Nevoid Basal Cell Carcinoma Syndrome. Identifiers: Orphanet 377, MedGen C0004779, MONDO:0007187.

Allele frequency attached by ClinVar (database versions not stated): gnomAD exomes below 0.00001.
gnomAD v4.1: 2 of 1,613,388 alleles (0.00012%); highest among the groups gnomAD compares: East Asian, 0.0022%; no homozygotes.

Submission:

Labcorp Genetics (formerly Invitae), Labcorp
Classification: Uncertain significance for Gorlin syndrome. Last evaluated: 2022-02-20. Review status: criteria provided, single submitter. Criteria: Invitae Variant Classification Sherloc (09022015). Collection method: clinical testing. Allele origin: germline.
Comment: In summary, the available evidence is currently insufficient to determine the role of this variant in disease. Therefore, it has been classified as a Variant of Uncertain Significance. Algorithms developed to predict the effect of missense changes on protein structure and function are either unavailable or do not agree on the potential impact of this missense change (SIFT: "Deleterious"; PolyPhen-2: "Possibly Damaging"; Align-GVGD: "Class C0"). This variant has not been reported in the literature in individuals affected with PTCH2-related conditions. This variant is present in population databases (no rsID available, gnomAD 0.006%). This sequence change replaces proline, which is neutral and non-polar, with leucine, which is neutral and non-polar, at codon 166 of the PTCH2 protein (p.Pro166Leu).

NM_003738.5(PTCH2):c.497C>T (p.Pro166Leu)

Gene: PTCH2 (patched 2; minus strand). Cytogenetic location: 1p34.1.
Variant type: single nucleotide variant.
Coding change: c.497C>T on transcript NM_003738.5 (MANE Select); coding-DNA position 497, C replaced by T.
Protein change: p.Pro166Leu; replaces proline 166 with leucine.
Molecular consequence: missense variant.
Genome position (GRCh38, 1-based): chr1:44,832,003, G>A on the plus strand (C>T on the coding strand, the complement: PTCH2 is on the minus strand). VCF-style: chr1-44832003-G-A. GRCh37 (hg19) VCF-style: chr1-45297675-G-A.
Other names: c.497C>T, p.Pro166Leu (NM_001166292.2); short protein forms P166L.
Identifiers: ClinVar variation 1989544 (VCV001989544.4), dbSNP rs1239103579, ClinGen allele CA340108236.